The following is an entry in ClinVar:

ClinVar aggregate classification (germline): Pathogenic. Review status: reviewed by expert panel (3 of 4 stars). 4 submissions from 4 submitters: Pathogenic (1). 3 of the submissions do not count toward it. Last evaluated 2016-10-18.

Conditions:
Hereditary breast ovarian cancer syndrome. Also called: Hereditary breast and ovarian cancer syndrome (HBOC); Breast and ovarian cancer; Hereditary breast and ovarian cancer syndrome; Hereditary breast and ovarian cancer; BRCA1- and BRCA2-Associated Hereditary Breast and Ovarian Cancer; Hereditary breast and/or ovarian cancer syndrome. Identifiers: Orphanet 145, MedGen C0677776, MeSH D061325, MONDO:0003582. Disease mechanism: loss of function.
Hereditary cancer-predisposing syndrome. Also called: Hereditary Cancer Syndrome; Neoplastic Syndromes, Hereditary; Hereditary neoplastic syndrome; Tumor predisposition. Identifiers: Orphanet 140162, MedGen C0027672, MeSH D009386, MONDO:0015356.
Breast-ovarian cancer, familial, susceptibility to, 1 (BROVCA1). Also called: BRCA1 Hereditary Breast and Ovarian Cancer; OVARIAN CANCER, SUSCEPTIBILITY TO. Identifiers: Orphanet 145, MedGen C2676676, MONDO:0011450, OMIM 604370. Disease mechanism: loss of function.

Allele frequency attached by ClinVar (database versions not stated): gnomAD 0.00001.
gnomAD v4.1: 1 of 1,614,054 alleles (0.000062%); highest among the groups gnomAD compares: East Asian, 0.0022%; no homozygotes.

Submissions (4):

Evidence-based Network for the Interpretation of Germline Mutant Alleles (ENIGMA)
Classification: Pathogenic for Breast-ovarian cancer, familial, susceptibility to, 1. Last evaluated: 2016-10-18. Review status: reviewed by expert panel. Criteria: ENIGMA BRCA1/2 Classification Criteria (2015). Collection method: curation. Allele origin: germline.
Comment: Variant allele predicted to encode a truncated non-functional protein.

Ambry Genetics
Classification: Pathogenic for Hereditary cancer-predisposing syndrome. Last evaluated: 2026-03-02. Review status: criteria provided, single submitter. Criteria: Ambry Variant Classification Scheme 2023. Collection method: clinical testing. Allele origin: germline. Not counted in ClinVar's aggregate classification.
Comment: The p.Q1525* pathogenic mutation (also known as c.4573C>T), located in coding exon 13 of the BRCA1 gene, results from a C to T substitution at nucleotide position 4573. This changes the amino acid from a glutamine to a stop codon within coding exon 13. This alteration is expected to result in loss of function by premature protein truncation or nonsense-mediated mRNA decay. As such, this alteration is interpreted as a disease-causing mutation.

Labcorp Genetics (formerly Invitae), Labcorp
Classification: Pathogenic for Hereditary breast ovarian cancer syndrome. Last evaluated: 2021-01-15. Review status: criteria provided, single submitter. Criteria: Invitae Variant Classification Sherloc (09022015). Collection method: clinical testing. Allele origin: germline. Not counted in ClinVar's aggregate classification.
Comment: For these reasons, this variant has been classified as Pathogenic. Loss-of-function variants in BRCA1 are known to be pathogenic (PMID: 20104584). This variant has been reported in individuals affected with breast cancer and ovarian cancer (PMID: 25480878, 28176296). ClinVar contains an entry for this variant (Variation ID: 266484). This variant is not present in population databases (ExAC no frequency). This sequence change creates a premature translational stop signal (p.Gln1525*) in the BRCA1 gene. It is expected to result in an absent or disrupted protein product.

Consortium of Investigators of Modifiers of BRCA1/2 (CIMBA), c/o University of Cambridge
Classification: Pathogenic for Breast-ovarian cancer, familial, susceptibility to, 1. Last evaluated: 2015-10-02. Review status: criteria provided, single submitter. Criteria: CIMBA Mutation Classification guidelines May 2016. Collection method: clinical testing. Allele origin: germline. Not counted in ClinVar's aggregate classification.

Literature cited by the submitters: PubMed 20104584 (cited by Labcorp Genetics (formerly Invitae), Labcorp); PubMed 25480878 (cited by Labcorp Genetics (formerly Invitae), Labcorp); PubMed 28176296 (cited by Labcorp Genetics (formerly Invitae), Labcorp).

NM_007294.4(BRCA1):c.4573C>T (p.Gln1525Ter)

Gene: BRCA1 (BRCA1 DNA repair associated; minus strand). Cytogenetic location: 17q21.31.
Variant type: single nucleotide variant.
Coding change: c.4573C>T on transcript NM_007294.4 (MANE Select); coding-DNA position 4573, C replaced by T.
Protein change: p.Gln1525Ter; replaces glutamine 1525 with a stop codon.
Molecular consequence: nonsense. On other transcripts: non-coding transcript variant (1).
Genome position (GRCh38, 1-based): chr17:43,074,433, G>A on the plus strand (C>T on the coding strand, the complement: BRCA1 is on the minus strand). VCF-style: chr17-43074433-G-A. GRCh37 (hg19) VCF-style: chr17-41226450-G-A.
Other names: 4692C>T; c.4360C>T, p.Gln1454Ter (NM_001407571.1, NM_001407906.1, NM_001407907.1 and 12 more transcripts); c.4639C>T, p.Gln1547Ter (NM_001407581.1, NM_001407582.1); c.4636C>T, p.Gln1546Ter (NM_001407583.1, NM_001407585.1, NM_001407587.1 and 1 more transcripts); c.4633C>T, p.Gln1545Ter (NM_001407590.1, NM_001407591.1); c.4573C>T, p.Gln1525Ter (NM_001407593.1, NM_001407594.1, NM_001407596.1 and 8 more transcripts); c.4570C>T, p.Gln1524Ter (NM_001407613.1, NM_001407614.1, NM_001407615.1 and 17 more transcripts); c.4567C>T, p.Gln1523Ter (NM_001407632.1, NM_001407633.1, NM_001407634.1 and 14 more transcripts); and 69 more; short protein forms Q1525*, Q1478*, Q1546*, Q421*, Q1229*, Q1396*, Q1413*, Q1414*.
Identifiers: ClinVar variation 266484 (VCV000266484.14), dbSNP rs886040237, ClinGen allele CA10589655.
Genomic context (GRCh38, chr17:43,074,433, plus strand): 5'-GTGGCCCAGACTCTTCCAGCTGTTGCTCCTCCACATCAACAACCTTAATGAGCTCCTCTT[G>A]AGATGGGTAGTTTCTATTCTGAAGACTCCCAGAGCAACTGTGCATGTACCACCTATCATC-3'